The following is an entry in ClinVar:

NM_003038.5(SLC1A4):c.745C>T (p.Arg249Cys)

Gene: SLC1A4 (solute carrier family 1 member 4; plus strand). Cytogenetic location: 2p14.
Variant type: single nucleotide variant.
Coding change: c.745C>T on transcript NM_003038.5 (MANE Select); coding-DNA position 745, C replaced by T.
Protein change: p.Arg249Cys; replaces arginine 249 with cysteine.
Molecular consequence: missense variant.
Genome position (GRCh38, 1-based): chr2:65,010,708, C>T. VCF-style: chr2-65010708-C-T. GRCh37 (hg19) VCF-style: chr2-65237842-C-T.
Other names: c.85C>T, p.Arg29Cys (NM_001193493.2, NM_001348406.2, NM_001348407.2); short protein forms R249C, R29C.
Identifiers: ClinVar variation 624136 (VCV000624136.47), dbSNP rs183809967, ClinGen allele CA1685960.

ClinVar aggregate classification (germline): Uncertain significance. Review status: criteria provided, multiple submitters, no conflicts (2 of 4 stars). 3 submissions from 3 submitters: Uncertain significance (3). Last evaluated 2024-11-04.

Allele frequency attached by ClinVar (database versions not stated): ESP Exome Variant Server 0.00015; gnomAD 0.00016 and 0.00017; gnomAD exomes 0.00016 and 0.00029; TOPMed 0.00018; ExAC 0.00019; 1000 Genomes Project 0.00060; 1000 Genomes Project 30x 0.00078.
gnomAD v4.1: 445 of 1,614,118 alleles (0.028%); highest among the groups gnomAD compares: Non-Finnish European, 0.035%; no homozygotes.

Submissions (3):

Labcorp Genetics (formerly Invitae), Labcorp
Classification: Uncertain significance. Last evaluated: 2024-11-04. Review status: criteria provided, single submitter. Criteria: Invitae Variant Classification Sherloc (09022015). Collection method: clinical testing. Allele origin: germline.
Comment: This sequence change replaces arginine, which is basic and polar, with cysteine, which is neutral and slightly polar, at codon 249 of the SLC1A4 protein (p.Arg249Cys). This variant is present in population databases (rs183809967, gnomAD 0.08%). This variant has not been reported in the literature in individuals affected with SLC1A4-related conditions. ClinVar contains an entry for this variant (Variation ID: 624136). Invitae Evidence Modeling of protein sequence and biophysical properties (such as structural, functional, and spatial information, amino acid conservation, physicochemical variation, residue mobility, and thermodynamic stability) indicates that this missense variant is not expected to disrupt SLC1A4 protein function with a negative predictive value of 80%. In summary, the available evidence is currently insufficient to determine the role of this variant in disease. Therefore, it has been classified as a Variant of Uncertain Significance.

Blueprint Genetics
Classification: Uncertain significance. Last evaluated: 2024-09-12. Review status: criteria provided, single submitter. Criteria: ACMG Guidelines, 2015. Collection method: clinical testing. Allele origin: germline.

CeGaT Center for Human Genetics Tuebingen
Classification: Uncertain significance. Last evaluated: 2018-05-01. Review status: criteria provided, single submitter. Criteria: CeGaT Center For Human Genetics Tuebingen Variant Classification Criteria Version 2. Collection method: clinical testing. Allele origin: germline. Affected: yes. Observed: 2 variant alleles.